The following is an entry in ClinVar:

NM_144991.3(TSPEAR):c.214C>G (p.Pro72Ala)

Gene: TSPEAR (thrombospondin type laminin G domain and EAR repeats; minus strand). Cytogenetic location: 21q22.3.
Variant type: single nucleotide variant.
Coding change: c.214C>G on transcript NM_144991.3 (MANE Select); coding-DNA position 214, C replaced by G.
Protein change: p.Pro72Ala; replaces proline 72 with alanine.
Molecular consequence: missense variant.
Genome position (GRCh38, 1-based): chr21:44,567,874, G>C on the plus strand (C>G on the coding strand, the complement: TSPEAR is on the minus strand). VCF-style: chr21-44567874-G-C. GRCh37 (hg19) VCF-style: chr21-45987758-G-C.
Other names: c.10C>G, p.Pro4Ala (NM_001272037.2); short protein forms P4A, P72A.
Identifiers: ClinVar variation 1917595 (VCV001917595.5), dbSNP rs1424073073, ClinGen allele CA410467498.

ClinVar aggregate classification (germline): Uncertain significance (1 of 4 stars; one submission).

Allele frequency attached by ClinVar (database versions not stated): TOPMed below 0.00001; gnomAD 0.00001.
gnomAD v4.1: 1 of 1,608,422 alleles (0.000062%); highest among the groups gnomAD compares: Non-Finnish European, 0.000085%; no homozygotes.

Submission:

Labcorp Genetics (formerly Invitae), Labcorp
Classification: Uncertain significance. Last evaluated: 2022-02-21. Review status: criteria provided, single submitter. Criteria: Invitae Variant Classification Sherloc (09022015). Collection method: clinical testing. Allele origin: germline.
Comment: This variant is not present in population databases (gnomAD no frequency). In summary, the available evidence is currently insufficient to determine the role of this variant in disease. Therefore, it has been classified as a Variant of Uncertain Significance. Algorithms developed to predict the effect of missense changes on protein structure and function are either unavailable or do not agree on the potential impact of this missense change (SIFT: "Deleterious"; PolyPhen-2: "Possibly Damaging"; Align-GVGD: "Class C0"). This variant has not been reported in the literature in individuals affected with TSPEAR-related conditions. This sequence change replaces proline, which is neutral and non-polar, with alanine, which is neutral and non-polar, at codon 72 of the TSPEAR protein (p.Pro72Ala).